The following is an entry in ClinVar:

ClinVar aggregate classification (germline): Likely benign. Review status: criteria provided, single submitter (1 of 4 stars). 2 submissions from 2 submitters: Likely benign (1). 1 of the submissions does not count toward it. Last evaluated 2024-04-08.

Conditions:
Rubinstein-Taybi syndrome (RSTS). Identifiers: Orphanet 783, MedGen C0035934, MONDO:0019188.
CREBBP-related disorder. Also called: CREBBP-related condition; CREBBP-related disorders.

Allele frequency attached by ClinVar (database versions not stated): gnomAD 0.00001; gnomAD exomes 0.00001; ExAC 0.00002; ESP Exome Variant Server 0.00008.

Submissions (2):

Labcorp Genetics (formerly Invitae), Labcorp
Classification: Likely benign for Rubinstein-Taybi syndrome. Last evaluated: 2024-04-08. Review status: criteria provided, single submitter. Criteria: Invitae Variant Classification Sherloc (09022015). Collection method: clinical testing. Allele origin: germline.

PreventionGenetics, part of Exact Sciences
Classification: Likely benign for CREBBP-related condition. Last evaluated: 2023-10-04. Review status: no assertion criteria provided. Collection method: clinical testing. Allele origin: germline. Not counted in ClinVar's aggregate classification.
Comment: This variant is classified as likely benign based on ACMG/AMP sequence variant interpretation guidelines (Richards et al. 2015 PMID: 25741868, with internal and published modifications).

NM_004380.3(CREBBP):c.1217-4A>G

Gene: CREBBP (CREB binding lysine acetyltransferase; minus strand). Cytogenetic location: 16p13.3.
Variant type: single nucleotide variant.
Coding change: c.1217-4A>G on transcript NM_004380.3 (MANE Select); 4 bases into the intron before coding-DNA position 1217, A replaced by G.
Molecular consequence: intron variant.
Genome position (GRCh38, 1-based): chr16:3,792,098, T>C on the plus strand (A>G on the coding strand, the complement: CREBBP is on the minus strand). VCF-style: chr16-3792098-T-C. GRCh37 (hg19) VCF-style: chr16-3842099-T-C.
Other names: c.1216+1288A>G (NM_001079846.1); c.1217-4A>G (NM_004380.2).
Identifiers: ClinVar variation 2976906 (VCV002976906.5), dbSNP rs376079308, ClinGen allele CA7870490.